The following is an entry in ClinVar:

ClinVar aggregate classification (germline): Uncertain significance (1 of 4 stars; one submission).

Conditions:
PCNT-related disorder. Also called: PCNT-related condition.

Submission:

PreventionGenetics, part of Exact Sciences
Classification: Uncertain significance for PCNT-related condition. Last evaluated: 2025-04-07. Review status: criteria provided, single submitter. Criteria: ACMG Guidelines, 2015. Collection method: clinical testing. Allele origin: germline.
Comment: The PCNT c.1324G>A variant is predicted to result in the amino acid substitution p.Glu442Lys. To our knowledge, this variant has not been reported in the literature. This variant is reported in 0.0054% of alleles in individuals of European (Non-Finnish) descent in gnomAD. At this time, the clinical significance of this variant is uncertain due to the absence of conclusive functional and genetic evidence.

NM_006031.6(PCNT):c.1324G>A (p.Glu442Lys)

Gene: PCNT (pericentrin; plus strand). Cytogenetic location: 21q22.3.
Variant type: single nucleotide variant.
Coding change: c.1324G>A on transcript NM_006031.6 (MANE Select); coding-DNA position 1324, G replaced by A.
Protein change: p.Glu442Lys; replaces glutamic acid 442 with lysine.
Molecular consequence: missense variant.
Genome position (GRCh38, 1-based): chr21:46,349,800, G>A. VCF-style: chr21-46349800-G-A. GRCh37 (hg19) VCF-style: chr21-47769714-G-A.
Other names: c.970G>A, p.Glu324Lys (NM_001315529.2); short protein forms E324K, E442K.
Identifiers: ClinVar variation 4981518 (VCV004981518.1).